The following is an entry in ClinVar:

ClinVar aggregate classification (germline): Uncertain significance. Review status: criteria provided, multiple submitters, no conflicts (2 of 4 stars). 4 submissions from 4 submitters: Uncertain significance (3). 1 of the submissions does not count toward it. Last evaluated 2025-09-07.

Conditions:
Hereditary cancer-predisposing syndrome. Also called: Tumor predisposition; Hereditary Cancer Syndrome; Neoplastic Syndromes, Hereditary; Hereditary neoplastic syndrome. Identifiers: Orphanet 140162, MedGen C0027672, MeSH D009386, MONDO:0015356.
Tuberous sclerosis 2 (TSC2). Identifiers: Orphanet 805, MedGen C1860707, MONDO:0013199, OMIM 613254.
Tuberous sclerosis syndrome (TSC). Also called: Tuberous Sclerosis Complex; Tuberous sclerosis. Identifiers: Orphanet 805, MedGen C0041341, MONDO:0001734.

Submissions (4):

Labcorp Genetics (formerly Invitae), Labcorp
Classification: Uncertain significance for Tuberous sclerosis 2. Last evaluated: 2025-09-07. Review status: criteria provided, single submitter. Criteria: Invitae Variant Classification Sherloc (09022015). Collection method: clinical testing. Allele origin: germline.
Comment: This sequence change replaces isoleucine, which is neutral and non-polar, with valine, which is neutral and non-polar, at codon 570 of the TSC2 protein (p.Ile570Val). This variant is not present in population databases (gnomAD no frequency). This variant has not been reported in the literature in individuals affected with TSC2-related conditions. ClinVar contains an entry for this variant (Variation ID: 65315). Invitae Evidence Modeling of protein sequence and biophysical properties (such as structural, functional, and spatial information, amino acid conservation, physicochemical variation, residue mobility, and thermodynamic stability) indicates that this missense variant is not expected to disrupt TSC2 protein function with a negative predictive value of 95%. In summary, the available evidence is currently insufficient to determine the role of this variant in disease. Therefore, it has been classified as a Variant of Uncertain Significance.

All of Us Research Program, National Institutes of Health
Classification: Uncertain significance for Tuberous sclerosis syndrome. Last evaluated: 2023-11-30. Review status: criteria provided, single submitter. Criteria: ACMG Guidelines, 2015. Collection method: clinical testing. Allele origin: germline. Inheritance: Autosomal dominant inheritance. Observed: 2 variant alleles, 2 heterozygotes.
Comment: This study involves interpretation of variants in research participants for the purpose of population health screening. Participant phenotype was not available at the time of variant classification. Additional details can be found in publication PMID: 35346344, PMCID: PMC8962531

Ambry Genetics
Classification: Uncertain significance for Hereditary cancer-predisposing syndrome. Last evaluated: 2022-12-12. Review status: criteria provided, single submitter. Criteria: Ambry Variant Classification Scheme 2023. Collection method: clinical testing. Allele origin: germline.
Comment: The p.I570V variant (also known as c.1708A>G), located in coding exon 15 of the TSC2 gene, results from an A to G substitution at nucleotide position 1708. The isoleucine at codon 570 is replaced by valine, an amino acid with highly similar properties. This amino acid position is conserved. In addition, the in silico prediction for this alteration is inconclusive. Since supporting evidence is limited at this time, the clinical significance of this alteration remains unclear.

Tuberous sclerosis database (TSC2)
No classification provided. Condition: TSC. Review status: no classification provided. Criteria: Tuberous Sclerosis Database Assertion Criteria 2015. Collection method: curation. Allele origin: germline. Affected: yes. Not counted in ClinVar's aggregate classification.

NM_000548.5(TSC2):c.1708A>G (p.Ile570Val)

Gene: TSC2 (TSC complex subunit 2; plus strand). Cytogenetic location: 16p13.3.
Variant type: single nucleotide variant.
Coding change: c.1708A>G on transcript NM_000548.5 (MANE Select); coding-DNA position 1708, A replaced by G.
Protein change: p.Ile570Val; replaces isoleucine 570 with valine.
Molecular consequence: missense variant.
Genome position (GRCh38, 1-based): chr16:2,065,627, A>G. VCF-style: chr16-2065627-A-G. GRCh37 (hg19) VCF-style: chr16-2115628-A-G.
Other names: c.1708A>G, p.Ile570Val (NM_001077183.3, NM_001114382.3, NM_001363528.2 and 3 more transcripts); c.1597A>G, p.Ile533Val (NM_001318827.2); c.1561A>G, p.Ile521Val (NM_001318829.2); c.1108A>G, p.Ile370Val (NM_001318831.2); c.1741A>G, p.Ile581Val (NM_001318832.2); short protein forms I570V, I581V, I533V, I370V, I521V.
Identifiers: ClinVar variation 65315 (VCV000065315.10), dbSNP rs397515230, ClinGen allele CA015452.